The following is an entry in ClinVar:

NM_004654.4(USP9Y):c.2657A>G (p.His886Arg)

Gene: USP9Y (ubiquitin specific peptidase 9 Y-linked; plus strand). Cytogenetic location: Yq11.221.
Variant type: single nucleotide variant.
Coding change: c.2657A>G on transcript NM_004654.4 (MANE Select); coding-DNA position 2657, A replaced by G.
Protein change: p.His886Arg; replaces histidine 886 with arginine.
Molecular consequence: missense variant.
Genome position (GRCh38, 1-based): chrY:12,778,036, A>G. VCF-style: chrY-12778036-A-G. GRCh37 (hg19) VCF-style: chrY-14889970-A-G.
Other names: short protein forms H886R.
Identifiers: ClinVar variation 4855869 (VCV004855869.1).

ClinVar aggregate classification (germline): Uncertain significance (1 of 4 stars; one submission).

Conditions:
Spermatogenic failure, Y-linked, 2 (SPGFY2). Also called: SPERMATOGENIC FAILURE, NONOBSTRUCTIVE, Y-LINKED; OLIGOSPERMIA, NONOBSTRUCTIVE, Y-LINKED; OLIGOZOOSPERMIA, NONOBSTRUCTIVE, Y-LINKED; SPERMATOGENIC ARREST, Y-LINKED; AZOOSPERMIA, NONOBSTRUCTIVE, Y-LINKED. Identifiers: Orphanet 1646, MedGen C1839071, MONDO:0010767, OMIM 415000. Disease mechanism: loss of function.

Submission:

3billion
Classification: Uncertain significance for Spermatogenic failure, Y-linked, 2. Last evaluated: 2025-08-19. Review status: criteria provided, single submitter. Criteria: ACMG Guidelines, 2015. Collection method: clinical testing. Allele origin: germline. Affected: yes.
Comment: The variant is not observed in the gnomAD v4.1.0 dataset. Predicted Consequence/Location: Missense variant Damaging effect on gene or gene product predicted by in silico programs is uncertain [3Cnet: 0.70 (damaging >0.75, benign <0.1)]. Therefore, this variant is classified as VUS according to the recommendation of ACMG/AMP guideline.